The following is an entry in ClinVar:

NM_001099271.2(POC5):c.1294G>A (p.Val432Ile)

Gene: POC5 (POC5 centriolar protein; minus strand). Cytogenetic location: 5q13.3.
Variant type: single nucleotide variant.
Coding change: c.1294G>A on transcript NM_001099271.2 (MANE Select); coding-DNA position 1294, G replaced by A.
Protein change: p.Val432Ile; replaces valine 432 with isoleucine.
Molecular consequence: missense variant.
Genome position (GRCh38, 1-based): chr5:75,685,320, C>T on the plus strand (G>A on the coding strand, the complement: POC5 is on the minus strand). VCF-style: chr5-75685320-C-T. GRCh37 (hg19) VCF-style: chr5-74981145-C-T.
Other names: c.1294G>A (NM_001099271.1); c.1219G>A, p.Val407Ile (NM_152408.3); short protein forms V407I, V432I.
Identifiers: ClinVar variation 1463945 (VCV001463945.7), dbSNP rs199811005, ClinGen allele CA3310350.

ClinVar aggregate classification (germline): Uncertain significance. Review status: criteria provided, multiple submitters, no conflicts (2 of 4 stars). 2 submissions from 2 submitters: Uncertain significance (2). Last evaluated 2026-01-29.

Allele frequency attached by ClinVar (database versions not stated): ESP Exome Variant Server 0.00008; gnomAD exomes 0.00016; gnomAD 0.00018 and 0.00019; ExAC 0.00019; TOPMed 0.00019.
gnomAD v4.1: 409 of 1,613,878 alleles (0.025%); highest among the groups gnomAD compares: Non-Finnish European, 0.033%; no homozygotes.

Submissions (2):

Labcorp Genetics (formerly Invitae), Labcorp
Classification: Uncertain significance. Last evaluated: 2026-01-29. Review status: criteria provided, single submitter. Criteria: Invitae Variant Classification Sherloc (09022015). Collection method: clinical testing. Allele origin: germline.
Comment: This sequence change replaces valine, which is neutral and non-polar, with isoleucine, which is neutral and non-polar, at codon 432 of the POC5 protein (p.Val432Ile). This variant is present in population databases (rs199811005, gnomAD 0.04%). This variant has not been reported in the literature in individuals affected with POC5-related conditions. ClinVar contains an entry for this variant (Variation ID: 1463945). An algorithm developed to predict the effect of missense changes on protein structure and function outputs the following: PolyPhen-2: "Benign". The isoleucine amino acid residue is found in multiple mammalian species, which suggests that this missense change does not adversely affect protein function. In summary, the available evidence is currently insufficient to determine the role of this variant in disease. Therefore, it has been classified as a Variant of Uncertain Significance.

Ambry Genetics
Classification: Uncertain significance. Last evaluated: 2021-07-06. Review status: criteria provided, single submitter. Criteria: Ambry Variant Classification Scheme 2023. Collection method: clinical testing. Allele origin: germline.